The following is an entry in ClinVar:

NM_001048174.2(MUTYH):c.83A>C (p.Asn28Thr)

Gene: MUTYH (mutY DNA glycosylase; minus strand). Cytogenetic location: 1p34.1.
Variant type: single nucleotide variant.
Coding change: c.83A>C on transcript NM_001048174.2 (MANE Select); coding-DNA position 83, A replaced by C.
Protein change: p.Asn28Thr; replaces asparagine 28 with threonine.
Molecular consequence: missense variant. On other transcripts: 5 prime UTR variant (7), non-coding transcript variant (7).
Genome position (GRCh38, 1-based): chr1:45,334,423, T>G on the plus strand (A>C on the coding strand, the complement: MUTYH is on the minus strand). VCF-style: chr1-45334423-T-G. GRCh37 (hg19) VCF-style: chr1-45800095-T-G.
Other names: c.83A>C, p.Asn28Thr (NM_001048171.2, NM_001048172.2, NM_001048173.2 and 15 more transcripts); c.125A>C, p.Asn42Thr (NM_001128425.2, NM_001293190.2, NM_001407069.1 and 2 more transcripts); c.-130A>C (NM_001293192.2, NM_001293196.2, NM_001407091.1); c.-189A>C (NM_001350650.2); c.-125A>C (NM_001350651.2, NM_001407082.1); c.-74A>C (NM_001407075.1); c.101A>C, p.Asn34Thr (NM_001407087.1); short protein forms N28T, N34T, N42T.
Identifiers: ClinVar variation 4113137 (VCV004113137.1).

ClinVar aggregate classification (germline): Uncertain significance (1 of 4 stars; one submission).

Conditions:
Hereditary cancer-predisposing syndrome. Also called: Tumor predisposition; Neoplastic Syndromes, Hereditary; Hereditary neoplastic syndrome; Hereditary Cancer Syndrome. Identifiers: Orphanet 140162, MedGen C0027672, MeSH D009386, MONDO:0015356.

Submission:

Ambry Genetics
Classification: Uncertain significance for Hereditary cancer-predisposing syndrome. Last evaluated: 2025-08-27. Review status: criteria provided, single submitter. Criteria: Ambry Variant Classification Scheme 2023. Collection method: clinical testing. Allele origin: germline.
Comment: The p.N42T variant (also known as c.125A>C), located in coding exon 2 of the MUTYH gene, results from an A to C substitution at nucleotide position 125. The asparagine at codon 42 is replaced by threonine, an amino acid with similar properties. This amino acid position is conserved. In addition, this alteration is predicted to be tolerated by in silico analysis. Based on the available evidence, the clinical significance of this variant remains unclear.